The following is an entry in ClinVar:

NM_018136.5(ASPM):c.7426A>T (p.Lys2476Ter)

Gene: ASPM (assembly factor for spindle microtubules; minus strand). Cytogenetic location: 1q31.3.
Variant type: single nucleotide variant.
Coding change: c.7426A>T on transcript NM_018136.5 (MANE Select); coding-DNA position 7426, A replaced by T.
Protein change: p.Lys2476Ter; replaces lysine 2476 with a stop codon.
Molecular consequence: nonsense. On other transcripts: intron variant (1).
Genome position (GRCh38, 1-based): chr1:197,101,825, T>A on the plus strand (A>T on the coding strand, the complement: ASPM is on the minus strand). VCF-style: chr1-197101825-T-A. GRCh37 (hg19) VCF-style: chr1-197070955-T-A.
Other names: c.4066-5661A>T (NM_001206846.2); short protein forms K2476*.
Identifiers: ClinVar variation 5005469 (VCV005005469.2).

ClinVar aggregate classification (germline): Likely pathogenic (1 of 4 stars; one submission).

Conditions:
Microcephaly 5, primary, autosomal recessive (MCPH5). Also called: ASPM Primary Microcephaly. Identifiers: Orphanet 2512, MedGen C1837501, MONDO:0012106, OMIM 608716.

gnomAD v4.1: 1 of 1,612,844 alleles (0.000062%); highest among the groups gnomAD compares: South Asian, 0.0011%; no homozygotes.

Submission:

Juno Genomics, Hangzhou Juno Genomics, Inc
Classification: Likely pathogenic for Microcephaly 5, primary, autosomal recessive. Review status: criteria provided, single submitter. Criteria: ACMG Guidelines, 2015. Collection method: clinical testing. Allele origin: germline.
Comment: Null variant in a gene where loss of function (LOF) is a known mechanism of disease.;Absent from controls (or at extremely low frequency if recessive) in Genome Aggregation Database.